The following is an entry in ClinVar:

NM_001345.5(DGKA):c.1428T>G (p.Gly476=)

Gene: DGKA (diacylglycerol kinase alpha; plus strand). Cytogenetic location: 12q13.2.
Variant type: single nucleotide variant.
Coding change: c.1428T>G on transcript NM_001345.5 (MANE Select); coding-DNA position 1428, T replaced by G.
Protein change: p.Gly476=; no amino-acid change (glycine 476 retained).
Molecular consequence: synonymous variant. On other transcripts: non-coding transcript variant (2).
Genome position (GRCh38, 1-based): chr12:55,951,624, T>G. VCF-style: chr12-55951624-T-G. GRCh37 (hg19) VCF-style: chr12-56345408-T-G.
Other names: NC_000012.11:g.56345408T>G; c.1428T>G, p.Gly476= (NM_001351033.2, NM_001351034.2, NM_001413596.1 and 5 more transcripts); c.1542T>G, p.Gly514= (NM_001351035.1); c.1005T>G, p.Gly335= (NM_001351036.2, NM_001351037.1); c.366T>G, p.Gly122= (NM_001351038.2, NM_001351039.2, NM_001351040.2); c.1404T>G, p.Gly468= (NM_001413599.1, NM_001413600.1, NM_001413601.1); c.1353T>G, p.Gly451= (NM_001413602.1, NM_001413603.1); c.1245T>G, p.Gly415= (NM_001413604.1).
Identifiers: ClinVar variation 3056719 (VCV003056719.3), dbSNP rs11834873, ClinGen allele CA6619596.

ClinVar aggregate classification (germline): Benign (0 of 4 stars; one submission).

Conditions:
DGKA-related disorder. Also called: DGKA-related condition.

Allele frequency attached by ClinVar (database versions not stated): gnomAD exomes 0.00910; ExAC 0.03067; gnomAD 0.09395; TOPMed 0.10439; ESP Exome Variant Server 0.10749; 1000 Genomes Project 0.10763; 1000 Genomes Project 30x 0.11462.
gnomAD v4.1: 28,315 of 1,613,580 alleles (1.8%); highest among the groups gnomAD compares: African/African-American, 33%; 4,163 homozygotes.

Submissions (14):

PreventionGenetics, part of Exact Sciences
Classification: Benign for DGKA-related condition. Last evaluated: 2019-11-25. Review status: no assertion criteria provided. Collection method: clinical testing. Allele origin: germline.
Comment: This variant is classified as benign based on ACMG/AMP sequence variant interpretation guidelines (Richards et al. 2015 PMID: 25741868, with internal and published modifications).

Dr. Peter K. Rogan Lab, Western University
No classification provided (evidence only). Condition: Acute myeloid leukemia. Review status: no classification provided. Collection method: in vitro. Allele origin: not applicable. Functional consequence: retained intron. Not counted in ClinVar's aggregate classification.

Dr. Peter K. Rogan Lab, Western University
No classification provided (evidence only). Condition: Acute myeloid leukemia. Review status: no classification provided. Collection method: in vitro. Allele origin: not applicable. Functional consequence: retained intron. Not counted in ClinVar's aggregate classification.

Dr. Peter K. Rogan Lab, Western University
No classification provided (evidence only). Condition: Colon adenocarcinoma. Review status: no classification provided. Collection method: in vitro. Allele origin: not applicable. Functional consequence: retained intron. Not counted in ClinVar's aggregate classification.

Dr. Peter K. Rogan Lab, Western University
No classification provided (evidence only). Condition: Thyroid cancer, nonmedullary, 1. Review status: no classification provided. Collection method: in vitro. Allele origin: not applicable. Functional consequence: retained intron. Not counted in ClinVar's aggregate classification.

Dr. Peter K. Rogan Lab, Western University
No classification provided (evidence only). Condition: Sarcoma. Review status: no classification provided. Collection method: in vitro. Allele origin: not applicable. Functional consequence: retained intron. Not counted in ClinVar's aggregate classification.

Dr. Peter K. Rogan Lab, Western University
No classification provided (evidence only). Condition: Hepatocellular carcinoma. Review status: no classification provided. Collection method: in vitro. Allele origin: not applicable. Functional consequence: retained intron. Not counted in ClinVar's aggregate classification.

Dr. Peter K. Rogan Lab, Western University
No classification provided (evidence only). Condition: Nonpapillary renal cell carcinoma. Review status: no classification provided. Collection method: in vitro. Allele origin: not applicable. Functional consequence: retained intron. Not counted in ClinVar's aggregate classification.

Dr. Peter K. Rogan Lab, Western University
No classification provided (evidence only). Condition: Thymoma. Review status: no classification provided. Collection method: in vitro. Allele origin: not applicable. Functional consequence: retained intron. Not counted in ClinVar's aggregate classification.

Dr. Peter K. Rogan Lab, Western University
No classification provided (evidence only). Condition: Ovarian serous cystadenocarcinoma. Review status: no classification provided. Collection method: in vitro. Allele origin: not applicable. Functional consequence: retained intron. Not counted in ClinVar's aggregate classification.

Dr. Peter K. Rogan Lab, Western University
No classification provided (evidence only). Condition: Gastric cancer. Review status: no classification provided. Collection method: in vitro. Allele origin: not applicable. Functional consequence: retained intron. Not counted in ClinVar's aggregate classification.

Dr. Peter K. Rogan Lab, Western University
No classification provided (evidence only). Condition: Malignant tumor of esophagus. Review status: no classification provided. Collection method: in vitro. Allele origin: not applicable. Functional consequence: retained intron. Not counted in ClinVar's aggregate classification.

Dr. Peter K. Rogan Lab, Western University
No classification provided (evidence only). Condition: Malignant tumor of esophagus. Review status: no classification provided. Collection method: in vitro. Allele origin: not applicable. Functional consequence: retained intron. Not counted in ClinVar's aggregate classification.

Dr. Peter K. Rogan Lab, Western University
No classification provided (evidence only). Condition: Malignant tumor of esophagus. Review status: no classification provided. Collection method: in vitro. Allele origin: not applicable. Functional consequence: retained intron. Not counted in ClinVar's aggregate classification.